The following is an entry in ClinVar:

ClinVar aggregate classification (germline): Conflicting classifications of pathogenicity. Review status: criteria provided, conflicting classifications (1 of 4 stars). 6 submissions from 6 submitters: Uncertain significance (1); Likely benign (3). 2 of the submissions do not count toward it. Last evaluated 2026-09-01.

Conditions:
Norman-Roberts syndrome (LIS2). Also called: Lissencephaly 2 (Norman-Roberts type). Identifiers: Orphanet 89844, MedGen C0796089, MONDO:0009760, OMIM 257320.
Familial temporal lobe epilepsy 7. Identifiers: Orphanet 101046, MedGen C4225327, MONDO:0014639, OMIM 616436.

Allele frequency attached by ClinVar (database versions not stated): ESP Exome Variant Server 0.00008; gnomAD 0.00010; TOPMed 0.00017.
gnomAD v4.1: 459 of 1,611,966 alleles (0.028%); highest among the groups gnomAD compares: Non-Finnish European, 0.037%; 1 homozygote.

Submissions (6):

CeGaT Center for Human Genetics Tuebingen
Classification: Likely benign. Last evaluated: 2026-09-01. Review status: criteria provided, single submitter. Criteria: CeGaT Center For Human Genetics Tuebingen Variant Classification Criteria Version 2. Collection method: clinical testing. Allele origin: germline. Affected: yes. Observed: 2 variant alleles.
Comment: RELN: BP4, BP7

Labcorp Genetics (formerly Invitae), Labcorp
Classification: Likely benign for Familial temporal lobe epilepsy 7; Norman-Roberts syndrome. Last evaluated: 2026-01-21. Review status: criteria provided, single submitter. Criteria: Invitae Variant Classification Sherloc (09022015). Collection method: clinical testing. Allele origin: germline.

Blueprint Genetics
Classification: Likely benign. Last evaluated: 2024-09-17. Review status: criteria provided, single submitter. Criteria: ACMG Guidelines, 2015. Collection method: clinical testing. Allele origin: germline.

Eurofins Ntd Llc (ga)
Classification: Uncertain significance. Last evaluated: 2014-01-27. Review status: criteria provided, single submitter. Criteria: EGL Classification Definitions 2015. Collection method: clinical testing. Allele origin: germline. Observed: 1 variant allele, 1 heterozygote.

Clinical Genetics DNA and cytogenetics Diagnostics Lab, Erasmus MC, Erasmus Medical Center
Classification: Likely benign. Review status: no assertion criteria provided. Collection method: clinical testing. Allele origin: germline. Affected: yes. Study: VKGL Data-share Consensus. Not counted in ClinVar's aggregate classification.

Genome Diagnostics Laboratory, University Medical Center Utrecht
Classification: Likely benign. Review status: no assertion criteria provided. Collection method: clinical testing. Allele origin: germline. Affected: yes. Study: VKGL Data-share Consensus. Not counted in ClinVar's aggregate classification.

NM_005045.4(RELN):c.5274G>T (p.Ala1758=)

Gene: RELN (reelin; minus strand). Cytogenetic location: 7q22.1.
Variant type: single nucleotide variant.
Coding change: c.5274G>T on transcript NM_005045.4 (MANE Select); coding-DNA position 5274, G replaced by T.
Protein change: p.Ala1758=; no amino-acid change (alanine 1758 retained).
Molecular consequence: synonymous variant.
Genome position (GRCh38, 1-based): chr7:103,561,890, C>A on the plus strand (G>T on the coding strand, the complement: RELN is on the minus strand). VCF-style: chr7-103561890-C-A. GRCh37 (hg19) VCF-style: chr7-103202337-C-A.
Other names: c.5274G>T, p.Ala1758= (NM_173054.3).
Identifiers: ClinVar variation 167583 (VCV000167583.42), dbSNP rs139102992, ClinGen allele CA234782.